The following is an entry in ClinVar:

NM_025243.4(SLC19A3):c.382T>C (p.Tyr128His)

Gene: SLC19A3 (solute carrier family 19 member 3; minus strand). Cytogenetic location: 2q36.3.
Variant type: single nucleotide variant.
Coding change: c.382T>C on transcript NM_025243.4 (MANE Select); coding-DNA position 382, T replaced by C.
Protein change: p.Tyr128His; replaces tyrosine 128 with histidine.
Molecular consequence: missense variant.
Genome position (GRCh38, 1-based): chr2:227,699,333, A>G on the plus strand (T>C on the coding strand, the complement: SLC19A3 is on the minus strand). VCF-style: chr2-227699333-A-G. GRCh37 (hg19) VCF-style: chr2-228564049-A-G.
Other names: c.382T>C, p.Tyr128His (NM_001371411.1, NM_001371412.1); c.370T>C, p.Tyr124His (NM_001371413.1, NM_001371414.1); short protein forms Y124H, Y128H.
Identifiers: ClinVar variation 846015 (VCV000846015.6), dbSNP rs1423798302, ClinGen allele CA350877336.

ClinVar aggregate classification (germline): Uncertain significance. Review status: criteria provided, multiple submitters, no conflicts (2 of 4 stars). 2 submissions from 2 submitters: Uncertain significance (2). Last evaluated 2025-06-07.

Conditions:
Biotin-responsive basal ganglia disease (BTBGD). Also called: Thiamine Transporter-2 Deficiency; thiamine-responsive encephalopathy; THIAMINE METABOLISM DYSFUNCTION SYNDROME 2 (BIOTIN- AND THIAMINE-RESPONSIVE TYPE); Thiamine metabolism dysfunction syndrome 2 (biotin- or thiamine-responsive encephalopathy type 2); Thiamine metabolism dysfunction syndrome type 2. Identifiers: Orphanet 199348, Orphanet 65284, MedGen C1843807, MONDO:0011841, OMIM 607483.
Inborn genetic diseases. Identifiers: MedGen C0950123, MeSH D030342.

Allele frequency attached by ClinVar (database versions not stated): gnomAD exomes 0.00005; TOPMed 0.00013; gnomAD 0.00021 and 0.00022.
gnomAD v4.1: 43 of 1,614,056 alleles (0.0027%); highest among the groups gnomAD compares: Admixed American, 0.072%; 1 homozygote.

Submissions (2):

Ambry Genetics
Classification: Uncertain significance for Inborn genetic diseases. Last evaluated: 2025-06-07. Review status: criteria provided, single submitter. Criteria: Ambry Variant Classification Scheme 2023. Collection method: clinical testing. Allele origin: germline.

Labcorp Genetics (formerly Invitae), Labcorp
Classification: Uncertain significance for Biotin-responsive basal ganglia disease. Last evaluated: 2022-07-05. Review status: criteria provided, single submitter. Criteria: Invitae Variant Classification Sherloc (09022015). Collection method: clinical testing. Allele origin: germline.
Comment: This sequence change replaces tyrosine, which is neutral and polar, with histidine, which is basic and polar, at codon 128 of the SLC19A3 protein (p.Tyr128His). This variant is present in population databases (no rsID available, gnomAD 0.04%). This variant has not been reported in the literature in individuals affected with SLC19A3-related conditions. ClinVar contains an entry for this variant (Variation ID: 846015). Advanced modeling of protein sequence and biophysical properties (such as structural, functional, and spatial information, amino acid conservation, physicochemical variation, residue mobility, and thermodynamic stability) performed at Invitae indicates that this missense variant is expected to disrupt SLC19A3 protein function. In summary, the available evidence is currently insufficient to determine the role of this variant in disease. Therefore, it has been classified as a Variant of Uncertain Significance.